The following is an entry in ClinVar:

ClinVar aggregate classification (germline): Likely benign. Review status: criteria provided, single submitter (1 of 4 stars). 2 submissions from 2 submitters: Likely benign (1). 1 of the submissions does not count toward it. Last evaluated 2018-06-26.

Conditions:
SEMA3C-related disorder. Also called: SEMA3C-related condition.

Allele frequency attached by ClinVar (database versions not stated): ESP Exome Variant Server 0.00015; TOPMed 0.00017.
gnomAD v4.1: 392 of 1,608,830 alleles (0.024%); highest among the groups gnomAD compares: Non-Finnish European, 0.032%; no homozygotes.

Submissions (2):

Labcorp Genetics (formerly Invitae), Labcorp
Classification: Likely benign. Last evaluated: 2018-06-26. Review status: criteria provided, single submitter. Criteria: Invitae Variant Classification Sherloc (09022015). Collection method: clinical testing. Allele origin: germline.

PreventionGenetics, part of Exact Sciences
Classification: Likely benign for SEMA3C-related condition. Last evaluated: 2021-06-09. Review status: no assertion criteria provided. Collection method: clinical testing. Allele origin: germline. Not counted in ClinVar's aggregate classification.
Comment: This variant is classified as likely benign based on ACMG/AMP sequence variant interpretation guidelines (Richards et al. 2015 PMID: 25741868, with internal and published modifications).

NM_006379.5(SEMA3C):c.129A>G (p.Glu43=)

Gene: SEMA3C (semaphorin 3C; minus strand). Cytogenetic location: 7q21.11.
Variant type: single nucleotide variant.
Coding change: c.129A>G on transcript NM_006379.5 (MANE Select); coding-DNA position 129, A replaced by G.
Protein change: p.Glu43=; no amino-acid change (glutamic acid 43 retained).
Molecular consequence: synonymous variant. On other transcripts: 5 prime UTR variant (1).
Genome position (GRCh38, 1-based): chr7:80,828,720, T>C on the plus strand (A>G on the coding strand, the complement: SEMA3C is on the minus strand). VCF-style: chr7-80828720-T-C. GRCh37 (hg19) VCF-style: chr7-80458036-T-C.
Other names: c.183A>G, p.Glu61= (NM_001350120.2); c.-46A>G (NM_001350121.2); c.183A>G (NM_001350120.1).
Identifiers: ClinVar variation 746057 (VCV000746057.5), dbSNP rs143343261, ClinGen allele CA4316553.